The following is an entry in ClinVar:

ClinVar aggregate classification (germline): Uncertain significance (1 of 4 stars; one submission).

Conditions:
Inborn genetic diseases. Identifiers: MedGen C0950123, MeSH D030342.

Allele frequency attached by ClinVar (database versions not stated): gnomAD exomes below 0.00001; TOPMed 0.00001; ExAC 0.00002; gnomAD 0.00002; ESP Exome Variant Server 0.00008.
gnomAD v4.1: 8 of 1,614,002 alleles (0.0005%); highest among the groups gnomAD compares: African/African-American, 0.008%; no homozygotes.

Submission:

Ambry Genetics
Classification: Uncertain significance for Inborn genetic diseases. Last evaluated: 2021-08-16. Review status: criteria provided, single submitter. Criteria: Ambry Variant Classification Scheme 2023. Collection method: clinical testing. Allele origin: germline.
Comment: The p.K635E variant (also known as c.1903A>G), located in coding exon 12 of the F5 gene, results from an A to G substitution at nucleotide position 1903. The lysine at codon 635 is replaced by glutamic acid, an amino acid with similar properties. This amino acid position is conserved. In addition, the in silico prediction for this alteration is inconclusive. Since supporting evidence is limited at this time, the clinical significance of this alteration remains unclear.

NM_000130.5(F5):c.1903A>G (p.Lys635Glu)

Gene: F5 (coagulation factor V; minus strand). Cytogenetic location: 1q24.2.
Variant type: single nucleotide variant.
Coding change: c.1903A>G on transcript NM_000130.5 (MANE Select); coding-DNA position 1903, A replaced by G.
Protein change: p.Lys635Glu; replaces lysine 635 with glutamic acid.
Molecular consequence: missense variant.
Genome position (GRCh38, 1-based): chr1:169,544,368, T>C on the plus strand (A>G on the coding strand, the complement: F5 is on the minus strand). VCF-style: chr1-169544368-T-C. GRCh37 (hg19) VCF-style: chr1-169513606-T-C.
Other names: short protein forms K635E.
Identifiers: ClinVar variation 1782343 (VCV001782343.2), dbSNP rs369751097, ClinGen allele CA1234206.